The following is an entry in ClinVar:

ClinVar aggregate classification (germline): Conflicting classifications of pathogenicity. Review status: criteria provided, conflicting classifications (1 of 4 stars). 4 submissions from 4 submitters: Uncertain significance (1); Likely benign (3). Last evaluated 2025-10-15.

Conditions:
Mitochondrial DNA depletion syndrome 13. Also called: FBXL4-Related Encephalomyopathic Mitochondrial DNA Depletion Syndrome; Mitochondrial DNA depletion syndrome 13 (encephalomyopathic type). Identifiers: Orphanet 369897, MedGen C3809592, MONDO:0014198, OMIM 615471.

Allele frequency attached by ClinVar (database versions not stated): gnomAD 0.00006 and 0.00007; gnomAD exomes 0.00006 and 0.00007; TOPMed 0.00006; ExAC 0.00008.
gnomAD v4.1: 116 of 1,614,018 alleles (0.0072%); highest among the groups gnomAD compares: Non-Finnish European, 0.0093%; no homozygotes.

Submissions (4):

Labcorp Genetics (formerly Invitae), Labcorp
Classification: Likely benign. Last evaluated: 2025-10-15. Review status: criteria provided, single submitter. Criteria: Invitae Variant Classification Sherloc (09022015). Collection method: clinical testing. Allele origin: germline.

Blueprint Genetics
Classification: Likely benign. Last evaluated: 2023-11-03. Review status: criteria provided, single submitter. Criteria: ACMG Guidelines, 2015. Collection method: clinical testing. Allele origin: germline.

CeGaT Center for Human Genetics Tuebingen
Classification: Likely benign. Last evaluated: 2022-07-01. Review status: criteria provided, single submitter. Criteria: CeGaT Center For Human Genetics Tuebingen Variant Classification Criteria Version 2. Collection method: clinical testing. Allele origin: germline. Affected: yes. Observed: 1 variant allele.
Comment: FBXL4: BP4

Wong Mito Lab, Molecular and Human Genetics, Baylor College of Medicine
Classification: Uncertain significance for Mitochondrial DNA depletion syndrome 13. Last evaluated: 2017-08-10. Review status: criteria provided, single submitter. Criteria: ACMG Guidelines, 2015. Collection method: reference population. Allele origin: germline.
Comment: The NM_012160.4:c.78T>C (NP_036292.2:p.Ala26=) [GRCH38: NC_000006.12:g.98926911A>G] variant in FBXL4 gene is interpretated to be a Uncertain Significance - Conflicting Evidence based on ACMG guidelines (PMID: 25741868). This variant meets one or more of the following evidence codes reported in the ACMG-guideline. PM2:This variant is absent in key population databases. BP4:Computational evidence/predictors indicate no impact on the FBXL4 structure, function, or protein-protein interaction. BP7:The variant is silent with non predicted splice impact. Based on this evidence code ClinGen Pathogenicity Calculator (PMID:28081714) suggested that the variant is Uncertain Significance - Conflicting Evidence.

NM_001278716.2(FBXL4):c.78T>C (p.Ala26=)

Gene: FBXL4 (F-box and leucine rich repeat protein 4; minus strand). Cytogenetic location: 6q16.2.
Variant type: single nucleotide variant.
Coding change: c.78T>C on transcript NM_001278716.2 (MANE Select); coding-DNA position 78, T replaced by C.
Protein change: p.Ala26=; no amino-acid change (alanine 26 retained).
Molecular consequence: synonymous variant. On other transcripts: non-coding transcript variant (2).
Genome position (GRCh38, 1-based): chr6:98,926,911, A>G on the plus strand (T>C on the coding strand, the complement: FBXL4 is on the minus strand). VCF-style: chr6-98926911-A-G. GRCh37 (hg19) VCF-style: chr6-99374787-A-G.
Other names: c.78T>C, p.Ala26= (NM_012160.5).
Identifiers: ClinVar variation 437530 (VCV000437530.30), dbSNP rs774610091, ClinGen allele CA3933744.
Genomic context (GRCh38, chr6:98,926,911, plus strand): 5'-AGGGGAAGTCTGGCTGTTTGATTCTATAGCTCTATGGGTGTTCATCATTTCTCCTCTTGT[A>G]GCTGTCCTGGCTCGGCGCCGAAGGCATATATAATAAAACATGGTCAGAACTGTTAACATG-3'
Protein context (NP_001265645.1, residues 16-36): YICLRRRART[Ala26=]TRGEMMNTHR